The following is an entry in ClinVar:

ClinVar aggregate classification (germline): Benign/Likely benign. Review status: criteria provided, multiple submitters, no conflicts (2 of 4 stars). 8 submissions from 8 submitters: Benign (1); Likely benign (5). 2 of the submissions do not count toward it. Last evaluated 2025-12-13.

Conditions:
Renal cell carcinoma. Identifiers: Orphanet 217071, MedGen C0007134, MeSH D002292, MONDO:0005086, HP:0005584.
Hereditary cancer-predisposing syndrome. Also called: Neoplastic Syndromes, Hereditary; Hereditary Cancer Syndrome; Tumor predisposition; Hereditary neoplastic syndrome. Identifiers: Orphanet 140162, MedGen C0027672, MeSH D009386, MONDO:0015356.
Papillary renal cell carcinoma type 1 (RCCP1). Also called: Renal adenocarcinoma; Renal cell carcinoma 1; Renal cell carcinoma, somatic; RENAL CELL CARCINOMA, PAPILLARY, 1, SOMATIC. Identifiers: Orphanet 47044, MedGen C1336839, OMIM 605074, HP:0011797.

Allele frequency attached by ClinVar (database versions not stated): TOPMed 0.00001; ExAC 0.00002; ESP Exome Variant Server 0.00008; gnomAD 0.00001; gnomAD exomes 0.00001.
gnomAD v4.1: 37 of 1,613,812 alleles (0.0023%); highest among the groups gnomAD compares: Non-Finnish European, 0.0031%; no homozygotes.

Submissions (8):

Labcorp Genetics (formerly Invitae), Labcorp
Classification: Likely benign for Renal cell carcinoma. Last evaluated: 2025-12-13. Review status: criteria provided, single submitter. Criteria: Invitae Variant Classification Sherloc (09022015). Collection method: clinical testing. Allele origin: germline.

Center for Genomic Medicine, Rigshospitalet, Copenhagen University Hospital
Classification: Likely benign. Last evaluated: 2025-03-04. Review status: criteria provided, single submitter. Criteria: ACMG Guidelines, 2015. Collection method: clinical testing. Allele origin: germline.

Myriad Genetics, Inc.
Classification: Benign for Papillary renal cell carcinoma type 1. Last evaluated: 2024-11-15. Review status: criteria provided, single submitter. Criteria: Myriad Autosomal Dominant, Autosomal Recessive and X-Linked Classification Criteria (2023). Collection method: clinical testing. Allele origin: unknown.
Comment: This variant is considered benign. This variant is a silent/synonymous amino acid change and it is not expected to impact splicing.

CeGaT Center for Human Genetics Tuebingen
Classification: Likely benign. Last evaluated: 2024-08-01. Review status: criteria provided, single submitter. Criteria: CeGaT Center For Human Genetics Tuebingen Variant Classification Criteria Version 2. Collection method: clinical testing. Allele origin: germline. Affected: yes. Observed: 1 variant allele.
Comment: MET: BP4, BP7

GeneDx
Classification: Likely benign. Last evaluated: 2020-10-20. Review status: criteria provided, single submitter. Criteria: GeneDx Variant Classification Process June 2021. Collection method: clinical testing. Allele origin: germline. Affected: yes.
Comment: Not observed at a significant frequency in large population cohorts (Lek et al., 2016)

Ambry Genetics
Classification: Likely benign for Hereditary cancer-predisposing syndrome. Last evaluated: 2019-08-13. Review status: criteria provided, single submitter. Criteria: Ambry Variant Classification Scheme 2023. Collection method: clinical testing. Allele origin: germline.

Clinical Genetics DNA and cytogenetics Diagnostics Lab, Erasmus MC, Erasmus Medical Center
Classification: Likely benign. Review status: no assertion criteria provided. Collection method: clinical testing. Allele origin: germline. Affected: yes. Study: VKGL Data-share Consensus. Not counted in ClinVar's aggregate classification.

Clinical Genetics, Academic Medical Center
Classification: Likely benign. Review status: no assertion criteria provided. Collection method: clinical testing. Allele origin: germline. Affected: yes. Study: VKGL Data-share Consensus. Not counted in ClinVar's aggregate classification.

NM_000245.4(MET):c.4122C>T (p.Asn1374=)

Gene: MET (MET proto-oncogene, receptor tyrosine kinase; plus strand). Cytogenetic location: 7q31.2.
Variant type: single nucleotide variant.
Coding change: c.4122C>T on transcript NM_000245.4 (MANE Select); coding-DNA position 4122, C replaced by T.
Protein change: p.Asn1374=; no amino-acid change (asparagine 1374 retained).
Molecular consequence: synonymous variant.
Genome position (GRCh38, 1-based): chr7:116,796,073, C>T. VCF-style: chr7-116796073-C-T. GRCh37 (hg19) VCF-style: chr7-116436127-C-T.
Other names: c.4176C>T, p.Asn1392= (NM_001127500.3); c.2832C>T, p.Asn944= (NM_001324402.2); c.4176C>T (LRG_662t1).
Identifiers: ClinVar variation 220811 (VCV000220811.39), dbSNP rs370767911, ClinGen allele CA350226.